The following is an entry in ClinVar:

ClinVar aggregate classification (germline): Likely benign (1 of 4 stars; one submission).

Conditions:
CTTNBP2-related disorder. Also called: CTTNBP2-related condition.

Submission:

PreventionGenetics, part of Exact Sciences
Classification: Likely benign for CTTNBP2-related condition. Last evaluated: 2026-07-23. Review status: criteria provided, single submitter. Criteria: ACMG Guidelines, 2015. Collection method: clinical testing. Allele origin: germline.
Comment: This variant is classified as likely benign based on ACMG/AMP sequence variant interpretation guidelines (Richards et al. 2015 PMID: 25741868, with internal and published modifications).

NM_033427.3(CTTNBP2):c.4750dup (p.Val1584fs)

Gene: CTTNBP2 (cortactin binding protein 2; minus strand). Cytogenetic location: 7q31.31.
Variant type: Duplication.
Coding change: c.4750dup on transcript NM_033427.3 (MANE Select); coding-DNA position 4750, one base duplicated (G; older notation c.4750dupG).
Protein change: p.Val1584fs; shifts the reading frame from valine 1584.
Molecular consequence: frameshift variant.
Genome position (GRCh38, 1-based): chr7:117,711,779, C duplicated on the plus strand (G on the coding strand, the reverse complement: CTTNBP2 is on the minus strand); the first of 2 consecutive C bases (chr7:117,711,779-117,711,780); duplicating either gives the same sequence. VCF-style (leftmost placement, unchanged base first): chr7-117711778-A-AC. GRCh37 (hg19) VCF-style: chr7-117351832-A-AC.
Other names: c.4696dup, p.Val1566fs (NM_001363349.1); c.2653dup, p.Val885fs (NM_001363350.1, NM_001363351.1); short protein forms V1584fs, V885fs, V1566fs.
Identifiers: ClinVar variation 4986430 (VCV004986430.1).